The following is an entry in ClinVar:

NM_001277115.2(DNAH11):c.956A>G (p.Lys319Arg)

Gene: DNAH11 (dynein axonemal heavy chain 11; plus strand). Cytogenetic location: 7p15.3.
Variant type: single nucleotide variant.
Coding change: c.956A>G on transcript NM_001277115.2 (MANE Select); coding-DNA position 956, A replaced by G.
Protein change: p.Lys319Arg; replaces lysine 319 with arginine.
Molecular consequence: missense variant.
Genome position (GRCh38, 1-based): chr7:21,561,144, A>G. VCF-style: chr7-21561144-A-G. GRCh37 (hg19) VCF-style: chr7-21600762-A-G.
Other names: c.956A>G, p.Lys319Arg (NM_003777.3); short protein forms K319R.
Identifiers: ClinVar variation 2454175 (VCV002454175.8), dbSNP rs759321222, ClinGen allele CA4178830.

ClinVar aggregate classification (germline): Conflicting classifications of pathogenicity. Review status: criteria provided, conflicting classifications (1 of 4 stars). 4 submissions from 4 submitters: Uncertain significance (3); Likely benign (1). Last evaluated 2025-12-23.

Conditions:
Primary ciliary dyskinesia. Also called: Ciliary dyskinesia. Identifiers: Orphanet 244, MedGen C0008780, MONDO:0016575, HP:0012265.
DNAH11-related disorder. Also called: DNAH11-related condition.

Allele frequency attached by ClinVar (database versions not stated): gnomAD exomes below 0.00001; gnomAD 0.00001; TOPMed 0.00001; ExAC 0.00004.
gnomAD v4.1: 7 of 1,598,294 alleles (0.00044%); highest among the groups gnomAD compares: Non-Finnish European, 0.0006%; no homozygotes.

Submissions (4):

GeneDx
Classification: Uncertain significance. Last evaluated: 2025-12-23. Review status: criteria provided, single submitter. Criteria: GeneDx Variant Classification Process June 2021. Collection method: clinical testing. Allele origin: germline.
Comment: Not observed at significant frequency in large population cohorts (gnomAD); In silico analysis suggests that this missense variant does not alter protein structure/function; Has not been previously published as pathogenic or benign to our knowledge

PreventionGenetics, part of Exact Sciences
Classification: Uncertain significance for DNAH11-related condition. Last evaluated: 2024-12-27. Review status: criteria provided, single submitter. Criteria: ACMG Guidelines, 2015. Collection method: clinical testing. Allele origin: germline.
Comment: The DNAH11 c.956A>G variant is predicted to result in the amino acid substitution p.Lys319Arg. To our knowledge, this variant has not been reported in the literature. This variant is reported in 0.0026% of alleles in individuals of European (Non-Finnish) descent in gnomAD. At this time, the clinical significance of this variant is uncertain due to the absence of conclusive functional and genetic evidence.

Labcorp Genetics (formerly Invitae), Labcorp
Classification: Likely benign for Primary ciliary dyskinesia. Last evaluated: 2023-07-16. Review status: criteria provided, single submitter. Criteria: Invitae Variant Classification Sherloc (09022015). Collection method: clinical testing. Allele origin: germline.

Ambry Genetics
Classification: Uncertain significance for Primary ciliary dyskinesia. Last evaluated: 2022-12-01. Review status: criteria provided, single submitter. Criteria: Ambry Variant Classification Scheme 2023. Collection method: clinical testing. Allele origin: germline.
Comment: The p.K319R variant (also known as c.956A>G), located in coding exon 5 of the DNAH11 gene, results from an A to G substitution at nucleotide position 956. The lysine at codon 319 is replaced by arginine, an amino acid with highly similar properties. This amino acid position is conserved. In addition, this alteration is predicted to be tolerated by in silico analysis. Since supporting evidence is limited at this time, the clinical significance of this alteration remains unclear.